The following is an entry in ClinVar:

ClinVar aggregate classification (germline): Likely benign. Review status: criteria provided, multiple submitters, no conflicts (2 of 4 stars). 4 submissions from 4 submitters: Likely benign (3). 1 of the submissions does not count toward it. Last evaluated 2026-01-18.

Conditions:
CWC27-related disorder. Also called: CWC27-related condition.

Allele frequency attached by ClinVar (database versions not stated): gnomAD exomes 0.00011 and 0.00029; ExAC 0.00037; ESP Exome Variant Server 0.00069; gnomAD 0.00080 and 0.00086; TOPMed 0.00092; 1000 Genomes Project 0.00180; 1000 Genomes Project 30x 0.00219.

Submissions (4):

Labcorp Genetics (formerly Invitae), Labcorp
Classification: Likely benign. Last evaluated: 2026-01-18. Review status: criteria provided, single submitter. Criteria: Invitae Variant Classification Sherloc (09022015). Collection method: clinical testing. Allele origin: germline.

Blueprint Genetics
Classification: Likely benign. Last evaluated: 2024-09-16. Review status: criteria provided, single submitter. Criteria: ACMG Guidelines, 2015. Collection method: clinical testing. Allele origin: germline.

Breakthrough Genomics
Classification: Likely benign. Review status: criteria provided, single submitter. Criteria: ACMG Guidelines, 2015. Collection method: not provided. Allele origin: germline. Inheritance: Autosomal recessive inheritance. Affected: yes.

PreventionGenetics, part of Exact Sciences
Classification: Likely benign for CWC27-related condition. Last evaluated: 2024-09-18. Review status: no assertion criteria provided. Collection method: clinical testing. Allele origin: germline. Not counted in ClinVar's aggregate classification.
Comment: This variant is classified as likely benign based on ACMG/AMP sequence variant interpretation guidelines (Richards et al. 2015 PMID: 25741868, with internal and published modifications).

NM_005869.4(CWC27):c.457G>A (p.Glu153Lys)

Gene: CWC27 (CWC27 spliceosome associated cyclophilin; plus strand). Cytogenetic location: 5q12.3.
Variant type: single nucleotide variant.
Coding change: c.457G>A on transcript NM_005869.4 (MANE Select); coding-DNA position 457, G replaced by A.
Protein change: p.Glu153Lys; replaces glutamic acid 153 with lysine.
Molecular consequence: missense variant.
Genome position (GRCh38, 1-based): chr5:64,785,541, G>A. VCF-style: chr5-64785541-G-A. GRCh37 (hg19) VCF-style: chr5-64081368-G-A.
Other names: c.457G>A, p.Glu153Lys (NM_001297644.1, NM_001297645.2, NM_001318000.2 and 1 more transcripts); short protein forms E153K.
Identifiers: ClinVar variation 729142 (VCV000729142.14), dbSNP rs114765726, ClinGen allele CA3281954.
Genomic context (GRCh38, chr5:64,785,541, plus strand): 5'-GTTACAGGGGATACAGTATATAACATGTTGCGACTGTCAGAAGTAGACATTGATGATGAC[G>A]AAAGACCACATAATCCACACAAAATAAAAAGCTGTGAGGTAGGAGCATGATTATTACGAG-3'
Protein context (NP_005860.2, residues 143-163): RLSEVDIDDD[Glu153Lys]RPHNPHKIKS